The following is an entry in ClinVar:

NM_001876.4(CPT1A):c.1433C>T (p.Ala478Val)

Gene: CPT1A (carnitine palmitoyltransferase 1A; minus strand). Cytogenetic location: 11q13.3.
Variant type: single nucleotide variant.
Coding change: c.1433C>T on transcript NM_001876.4 (MANE Select); coding-DNA position 1433, C replaced by T.
Protein change: p.Ala478Val; replaces alanine 478 with valine.
Molecular consequence: missense variant.
Genome position (GRCh38, 1-based): chr11:68,780,665, G>A on the plus strand (C>T on the coding strand, the complement: CPT1A is on the minus strand). VCF-style: chr11-68780665-G-A. GRCh37 (hg19) VCF-style: chr11-68548133-G-A.
Other names: c.1433C>T, p.Ala478Val (NM_001031847.3); short protein forms A478V.
Identifiers: ClinVar variation 1507004 (VCV001507004.6), dbSNP rs2153997775, ClinGen allele CA381630719.

ClinVar aggregate classification (germline): Uncertain significance. Review status: criteria provided, multiple submitters, no conflicts (2 of 4 stars). 2 submissions from 2 submitters: Uncertain significance (2). Last evaluated 2025-06-30.

Conditions:
Carnitine palmitoyl transferase 1A deficiency. Also called: CPT deficiency, hepatic, type IA; CPT I DEFICIENCY; CPT DEFICIENCY, HEPATIC, TYPE I; Carnitine palmitoyltransferase 1A deficiency; Carnitine palmitoyltransferase type I deficiency. Identifiers: Orphanet 156, MedGen C1829703, MONDO:0009705, OMIM 255120.

gnomAD v4.1: 2 of 1,614,120 alleles (0.00012%); highest among the groups gnomAD compares: South Asian, 0.0011%; no homozygotes.

Submissions (2):

Women's Health and Genetics/Laboratory Corporation of America, LabCorp
Classification: Uncertain significance. Last evaluated: 2025-06-30. Review status: criteria provided, single submitter. Criteria: LabCorp Variant Classification Summary - May 2015. Collection method: clinical testing. Allele origin: germline.
Comment: Variant summary: CPT1A c.1433C>T (p.Ala478Val) results in a non-conservative amino acid change in the encoded protein sequence. Algorithms developed to predict the effect of missense changes on protein structure and function all suggest that this variant is likely to be disruptive. The variant was absent in 251492 control chromosomes. The available data on variant occurrences in the general population are insufficient to allow any conclusion about variant significance. c.1433C>T has been observed in at least one compound heterozygous individual affected with Carnitine Palmitoyltransferase I Deficiency (e.g. Chien_2013). These data do not allow any conclusion about variant significance. One publication reports experimental evidence evaluating an impact on protein function, however, does not allow convincing conclusions about the variant effect (e.g. Chien_2013). The following publication has been ascertained in the context of this evaluation (PMID: 23700290). ClinVar contains an entry for this variant (Variation ID: 1507004). Based on the evidence outlined above, the variant was classified as uncertain significance.

Labcorp Genetics (formerly Invitae), Labcorp
Classification: Uncertain significance for Carnitine palmitoyl transferase 1A deficiency. Last evaluated: 2021-08-31. Review status: criteria provided, single submitter. Criteria: Invitae Variant Classification Sherloc (09022015). Collection method: clinical testing. Allele origin: germline.
Comment: This sequence change replaces alanine with valine at codon 478 of the CPT1A protein (p.Ala478Val). The alanine residue is highly conserved and there is a small physicochemical difference between alanine and valine. This variant is not present in population databases (ExAC no frequency). This missense change has been observed in individual(s) with carnitine palmitoyltransferase I deficiency (PMID: 23700290). Algorithms developed to predict the effect of missense changes on protein structure and function are either unavailable or do not agree on the potential impact of this missense change (SIFT: "Deleterious"; PolyPhen-2: "Possibly Damaging"; Align-GVGD: "Class C0"). In summary, the available evidence is currently insufficient to determine the role of this variant in disease. Therefore, it has been classified as a Variant of Uncertain Significance.

Literature cited by the submitters: PubMed 23700290 (cited by Women's Health and Genetics/Laboratory Corporation of America, LabCorp and Labcorp Genetics (formerly Invitae), Labcorp).